The following is an entry in ClinVar:

NM_001042492.3(NF1):c.3203T>G (p.Leu1068Trp)

Gene: NF1 (neurofibromin 1; plus strand). Cytogenetic location: 17q11.2.
Variant type: single nucleotide variant.
Coding change: c.3203T>G on transcript NM_001042492.3 (MANE Select); coding-DNA position 3203, T replaced by G.
Protein change: p.Leu1068Trp; replaces leucine 1068 with tryptophan.
Molecular consequence: missense variant.
Genome position (GRCh38, 1-based): chr17:31,232,078, T>G. VCF-style: chr17-31232078-T-G. GRCh37 (hg19) VCF-style: chr17-29559096-T-G.
Other names: c.3203T>G, p.Leu1068Trp (NM_000267.4); short protein forms L1068W.
Identifiers: ClinVar variation 3634526 (VCV003634526.2).
Genomic context (GRCh38, chr17:31,232,078, plus strand): 5'-AACTTGAAAGATTCATGGTCTCTAAATTTTTTTTTTTTTTTTTTTTTTTTTTCAGAGATT[T>G]GGACCAGGCAAGCATGGAAGCAGTAGTTTCACTTCTAGCTGGTCTCCCTCTGCAGCCTGA-3'
Protein context (NP_001035957.1, residues 1058-1078): DDDVKCLTRD[Leu1068Trp]DQASMEAVVS

ClinVar aggregate classification (germline): Uncertain significance (1 of 4 stars; one submission).

Conditions:
Neurofibromatosis, type 1 (NF1). Also called: VON RECKLINGHAUSEN DISEASE; Peripheral type neurofibromatosis; NEUROFIBROMATOSIS, TYPE I, SOMATIC; Neurofibromatosis, type I. Identifiers: Orphanet 636, MedGen C0027831, MONDO:0018975, OMIM 162200. Disease mechanism: loss of function.

Submission:

Labcorp Genetics (formerly Invitae), Labcorp
Classification: Uncertain significance for Neurofibromatosis, type 1. Last evaluated: 2025-02-05. Review status: criteria provided, single submitter. Criteria: Invitae Variant Classification Sherloc (09022015). Collection method: clinical testing. Allele origin: germline.
Comment: This sequence change replaces leucine, which is neutral and non-polar, with tryptophan, which is neutral and slightly polar, at codon 1068 of the NF1 protein (p.Leu1068Trp). This variant is not present in population databases (gnomAD no frequency). This variant has not been reported in the literature in individuals affected with NF1-related conditions. Invitae Evidence Modeling of protein sequence and biophysical properties (such as structural, functional, and spatial information, amino acid conservation, physicochemical variation, residue mobility, and thermodynamic stability) indicates that this missense variant is expected to disrupt NF1 protein function with a positive predictive value of 95%. In summary, the available evidence is currently insufficient to determine the role of this variant in disease. Therefore, it has been classified as a Variant of Uncertain Significance.